The following is an entry in ClinVar:

NM_001393769.1(MED12L):c.3286A>G (p.Asn1096Asp)

Genes: P2RY12 (purinergic receptor P2Y12; minus strand), MED12L (mediator complex subunit 12L; plus strand). Cytogenetic location: 3q25.1.
Variant type: single nucleotide variant.
Coding change: c.3286A>G on transcript NM_001393769.1 (MANE Select); coding-DNA position 3286, A replaced by G.
Protein change: p.Asn1096Asp; replaces asparagine 1096 with aspartic acid.
Molecular consequence: missense variant. On other transcripts: intron variant (1).
Genome position (GRCh38, 1-based): chr3:151,365,950, A>G. VCF-style: chr3-151365950-A-G. GRCh37 (hg19) VCF-style: chr3-151083738-A-G.
Other names: c.3181A>G, p.Asn1061Asp (NM_053002.6); c.-180+18742T>C (NM_022788.5); short protein forms N1096D, N1061D.
Identifiers: ClinVar variation 3572531 (VCV003572531.1).

ClinVar aggregate classification (germline): Uncertain significance (1 of 4 stars; one submission).

gnomAD v4.1: 4 of 1,613,246 alleles (0.00025%); highest among the groups gnomAD compares: Non-Finnish European, 0.00025%; no homozygotes.

Submission:

GeneDx
Classification: Uncertain significance. Last evaluated: 2024-07-12. Review status: criteria provided, single submitter. Criteria: GeneDx Variant Classification Process June 2021. Collection method: clinical testing. Allele origin: germline. Affected: yes.
Comment: Has not been previously published as pathogenic or benign to our knowledge; Not observed at significant frequency in large population cohorts (gnomAD); In silico analysis supports that this missense variant has a deleterious effect on protein structure/function